The following is an entry in ClinVar:

NM_006231.4(POLE):c.4270G>T (p.Glu1424Ter)

Gene: POLE (DNA polymerase epsilon, catalytic subunit; minus strand). Cytogenetic location: 12q24.33.
Variant type: single nucleotide variant.
Coding change: c.4270G>T on transcript NM_006231.4 (MANE Select); coding-DNA position 4270, G replaced by T.
Protein change: p.Glu1424Ter; replaces glutamic acid 1424 with a stop codon.
Molecular consequence: nonsense.
Genome position (GRCh38, 1-based): chr12:132,643,857, C>A on the plus strand (G>T on the coding strand, the complement: POLE is on the minus strand). VCF-style: chr12-132643857-C-A. GRCh37 (hg19) VCF-style: chr12-133220443-C-A.
Other names: short protein forms E1424*.
Identifiers: ClinVar variation 1685021 (VCV001685021.4), dbSNP rs575419120, ClinGen allele CA387381837.

ClinVar aggregate classification (germline): Conflicting classifications of pathogenicity. Review status: criteria provided, conflicting classifications (1 of 4 stars). 2 submissions from 2 submitters: Pathogenic (1); Uncertain significance (1). Last evaluated 2024-07-15.

Submissions (2):

Labcorp Genetics (formerly Invitae), Labcorp
Classification: Pathogenic. Last evaluated: 2024-07-15. Review status: criteria provided, single submitter. Criteria: Invitae Variant Classification Sherloc (09022015). Collection method: clinical testing. Allele origin: germline.
Comment: This sequence change creates a premature translational stop signal (p.Glu1424*) in the POLE gene. It is expected to result in an absent or disrupted protein product. Loss-of-function variants in POLE are known to be pathogenic (PMID: 23230001, 25948378, 30503519). This variant is not present in population databases (gnomAD no frequency). This variant has not been reported in the literature in individuals affected with POLE-related conditions. ClinVar contains an entry for this variant (Variation ID: 1685021). For these reasons, this variant has been classified as Pathogenic.

Mendelics
Classification: Uncertain significance. Last evaluated: 2022-05-04. Review status: criteria provided, single submitter. Criteria: Mendelics Assertion Criteria 2019. Collection method: clinical testing. Allele origin: germline.

Literature cited by the submitters: PubMed 23230001 (cited by Labcorp Genetics (formerly Invitae), Labcorp); PubMed 25948378 (cited by Labcorp Genetics (formerly Invitae), Labcorp); PubMed 30503519 (cited by Labcorp Genetics (formerly Invitae), Labcorp).